The following is an entry in ClinVar:

NM_000080.4(CHRNE):c.965G>A (p.Cys322Tyr)

Gene: CHRNE (cholinergic receptor nicotinic epsilon subunit; minus strand). Cytogenetic location: 17p13.2.
Variant type: single nucleotide variant.
Coding change: c.965G>A on transcript NM_000080.4 (MANE Select); coding-DNA position 965, G replaced by A.
Protein change: p.Cys322Tyr; replaces cysteine 322 with tyrosine.
Molecular consequence: missense variant.
Genome position (GRCh38, 1-based): chr17:4,899,535, C>T on the plus strand (G>A on the coding strand, the complement: CHRNE is on the minus strand). VCF-style: chr17-4899535-C-T. GRCh37 (hg19) VCF-style: chr17-4802830-C-T.
Other names: short protein forms C322Y.
Identifiers: ClinVar variation 3907348 (VCV003907348.1).

ClinVar aggregate classification (germline): Uncertain significance (1 of 4 stars; one submission).

gnomAD v4.1: 3 of 1,602,952 alleles (0.00019%); highest among the groups gnomAD compares: African/African-American, 0.0013%; no homozygotes.

Submission:

Women's Health and Genetics/Laboratory Corporation of America, LabCorp
Classification: Uncertain significance. Last evaluated: 2025-06-05. Review status: criteria provided, single submitter. Criteria: LabCorp Variant Classification Summary - May 2015. Collection method: clinical testing. Allele origin: germline.
Comment: Variant summary: CHRNE c.965G>A (p.Cys322Tyr) results in a non-conservative amino acid change in the encoded protein sequence. Algorithms developed to predict the effect of missense changes on protein structure and function all suggest that this variant is likely to be disruptive. The variant was absent in 231336 control chromosomes (gnomAD). The available data on variant occurrences in the general population are insufficient to allow any conclusion about variant significance. c.965G>A has been observed in an individual affected with Congenital Myasthenic Syndrome (Durmus_2018). These data do not allow any conclusion about variant significance. To our knowledge, no experimental evidence demonstrating an impact on protein function has been reported. The following publication has been ascertained in the context of this evaluation (PMID: 29395675). No submitters have cited clinical-significance assessments for this variant to ClinVar. Based on the evidence outlined above, the variant was classified as uncertain significance.

Literature cited by the submitters: PubMed 29395675.